The following is an entry in ClinVar:

NM_000214.3(JAG1):c.1059G>C (p.Glu353Asp)

Gene: JAG1 (jagged canonical Notch ligand 1; minus strand). Cytogenetic location: 20p12.2.
Variant type: single nucleotide variant.
Coding change: c.1059G>C on transcript NM_000214.3 (MANE Select); coding-DNA position 1059, G replaced by C.
Protein change: p.Glu353Asp; replaces glutamic acid 353 with aspartic acid.
Molecular consequence: missense variant.
Genome position (GRCh38, 1-based): chr20:10,651,642, C>G on the plus strand (G>C on the coding strand, the complement: JAG1 is on the minus strand). VCF-style: chr20-10651642-C-G. GRCh37 (hg19) VCF-style: chr20-10632290-C-G.
Other names: short protein forms E353D.
Identifiers: ClinVar variation 2729454 (VCV002729454.3), dbSNP rs2514520745, ClinGen allele CA408238765.
Genomic context (GRCh38, chr20:10,651,642, plus strand): 5'-TGTAGAGCATGTGGGGCCGGTCCAGCCTGGGGAACACTCACACTCAAAGCCCAGGGAGGT[C>G]TCCTTACAGCTGCCTCTGTTGTGACAGGGATCAGAGAGGCAGGCGTGCTCAGCTGCAAAA-3'
Protein context (NP_000205.1, residues 343-363): DPCHNRGSCK[Glu353Asp]TSLGFECECS

ClinVar aggregate classification (germline): Uncertain significance (1 of 4 stars; one submission).

Conditions:
Alagille syndrome due to a JAG1 point mutation. Also called: HEPATIC DUCTULAR HYPOPLASIA, SYNDROMATIC; Alagille Syndrome 1; JAG1-Related Alagille Syndrome. Identifiers: Orphanet 261619, Orphanet 52, MedGen C1956125, MONDO:0016862, OMIM 118450.

Submission:

Labcorp Genetics (formerly Invitae), Labcorp
Classification: Uncertain significance for Alagille syndrome due to a JAG1 point mutation. Last evaluated: 2023-06-25. Review status: criteria provided, single submitter. Criteria: Invitae Variant Classification Sherloc (09022015). Collection method: clinical testing. Allele origin: germline.
Comment: This sequence change replaces glutamic acid, which is acidic and polar, with aspartic acid, which is acidic and polar, at codon 353 of the JAG1 protein (p.Glu353Asp). In summary, the available evidence is currently insufficient to determine the role of this variant in disease. Therefore, it has been classified as a Variant of Uncertain Significance. Advanced modeling of protein sequence and biophysical properties (such as structural, functional, and spatial information, amino acid conservation, physicochemical variation, residue mobility, and thermodynamic stability) performed at Invitae indicates that this missense variant is not expected to disrupt JAG1 protein function. This variant has not been reported in the literature in individuals affected with JAG1-related conditions. This variant is not present in population databases (gnomAD no frequency).